The following is an entry in ClinVar:

NM_033026.6(PCLO):c.12733C>T (p.Leu4245Phe)

Gene: PCLO (piccolo presynaptic cytomatrix protein; minus strand). Cytogenetic location: 7q21.11.
Variant type: single nucleotide variant.
Coding change: c.12733C>T on transcript NM_033026.6 (MANE Select); coding-DNA position 12733, C replaced by T.
Protein change: p.Leu4245Phe; replaces leucine 4245 with phenylalanine.
Molecular consequence: missense variant.
Genome position (GRCh38, 1-based): chr7:82,915,253, G>A on the plus strand (C>T on the coding strand, the complement: PCLO is on the minus strand). VCF-style: chr7-82915253-G-A. GRCh37 (hg19) VCF-style: chr7-82544569-G-A.
Other names: c.12733C>T, p.Leu4245Phe (NM_014510.3); short protein forms L4245F.
Identifiers: ClinVar variation 1919737 (VCV001919737.2), dbSNP rs367972678, ClinGen allele CA4319319.

ClinVar aggregate classification (germline): Uncertain significance (1 of 4 stars; one submission).

Allele frequency attached by ClinVar (database versions not stated): gnomAD 0.00001; ExAC 0.00002; TOPMed 0.00002; ESP Exome Variant Server 0.00008.
gnomAD v4.1: 3 of 1,613,314 alleles (0.00019%); highest among the groups gnomAD compares: African/African-American, 0.0027%; no homozygotes.

Submission:

Labcorp Genetics (formerly Invitae), Labcorp
Classification: Uncertain significance. Last evaluated: 2022-04-28. Review status: criteria provided, single submitter. Criteria: Invitae Variant Classification Sherloc (09022015). Collection method: clinical testing. Allele origin: germline.
Comment: This sequence change replaces leucine, which is neutral and non-polar, with phenylalanine, which is neutral and non-polar, at codon 4245 of the PCLO protein (p.Leu4245Phe). This variant is present in population databases (rs367972678, gnomAD 0.02%). This variant has not been reported in the literature in individuals affected with PCLO-related conditions. Algorithms developed to predict the effect of missense changes on protein structure and function are either unavailable or do not agree on the potential impact of this missense change (SIFT: "Deleterious"; PolyPhen-2: "Not Available"; Align-GVGD: "Class C0"). In summary, the available evidence is currently insufficient to determine the role of this variant in disease. Therefore, it has been classified as a Variant of Uncertain Significance.